The following is an entry in ClinVar:

ClinVar aggregate classification (germline): Uncertain significance. Review status: criteria provided, multiple submitters, no conflicts (2 of 4 stars). 2 submissions from 2 submitters: Uncertain significance (2). Last evaluated 2025-10-18.

Conditions:
Inborn genetic diseases. Identifiers: MedGen C0950123, MeSH D030342.

Allele frequency attached by ClinVar (database versions not stated): TOPMed 0.00002; gnomAD exomes 0.00003; ExAC 0.00006; ESP Exome Variant Server 0.00023.
gnomAD v4.1: 39 of 1,614,038 alleles (0.0024%); highest among the groups gnomAD compares: Middle Eastern, 0.016%; no homozygotes.

Submissions (2):

Ambry Genetics
Classification: Uncertain significance for Inborn genetic diseases. Last evaluated: 2025-10-18. Review status: criteria provided, single submitter. Criteria: Ambry Variant Classification Scheme 2023. Collection method: clinical testing. Allele origin: germline.

Labcorp Genetics (formerly Invitae), Labcorp
Classification: Uncertain significance. Last evaluated: 2024-05-08. Review status: criteria provided, single submitter. Criteria: Invitae Variant Classification Sherloc (09022015). Collection method: clinical testing. Allele origin: germline.
Comment: This sequence change replaces glutamic acid, which is acidic and polar, with lysine, which is basic and polar, at codon 64 of the SMOC1 protein (p.Glu64Lys). This variant is present in population databases (rs370148766, gnomAD 0.007%). This variant has not been reported in the literature in individuals affected with SMOC1-related conditions. ClinVar contains an entry for this variant (Variation ID: 1436984). Advanced modeling of protein sequence and biophysical properties (such as structural, functional, and spatial information, amino acid conservation, physicochemical variation, residue mobility, and thermodynamic stability) performed at Invitae indicates that this missense variant is not expected to disrupt SMOC1 protein function with a negative predictive value of 80%. In summary, the available evidence is currently insufficient to determine the role of this variant in disease. Therefore, it has been classified as a Variant of Uncertain Significance.

NM_001034852.3(SMOC1):c.190G>A (p.Glu64Lys)

Gene: SMOC1 (SPARC related modular calcium binding 1; plus strand). Cytogenetic location: 14q24.2.
Variant type: single nucleotide variant.
Coding change: c.190G>A on transcript NM_001034852.3 (MANE Select); coding-DNA position 190, G replaced by A.
Protein change: p.Glu64Lys; replaces glutamic acid 64 with lysine.
Molecular consequence: missense variant.
Genome position (GRCh38, 1-based): chr14:69,952,228, G>A. VCF-style: chr14-69952228-G-A. GRCh37 (hg19) VCF-style: chr14-70418945-G-A.
Other names: c.190G>A (NM_001034852.2); c.190G>A, p.Glu64Lys (NM_022137.6); short protein forms E64K.
Identifiers: ClinVar variation 1436984 (VCV001436984.9), dbSNP rs370148766, ClinGen allele CA7246371.